The following is an entry in ClinVar:

NM_033337.3(CAV3):c.*277G>A

Genes: CAV3 (caveolin 3; plus strand), OXTR (oxytocin receptor; minus strand). Cytogenetic location: 3p25.3.
Variant type: single nucleotide variant.
Coding change: c.*277G>A on transcript NM_033337.3 (MANE Select); 277 bases downstream of the stop codon, G replaced by A.
Molecular consequence: 3 prime UTR variant.
Genome position (GRCh38, 1-based): chr3:8,746,144, G>A. VCF-style: chr3-8746144-G-A. GRCh37 (hg19) VCF-style: chr3-8787830-G-A.
Other names: c.*181G>A (NM_001234.5).
Identifiers: ClinVar variation 346851 (VCV000346851.6), dbSNP rs184247243, ClinGen allele CA10617543.

ClinVar aggregate classification (germline): Benign (1 of 4 stars; one submission).

Conditions:
Caveolinopathy. Identifiers: Orphanet 207078, MedGen C5679790, MONDO:0016146.

Allele frequency attached by ClinVar (database versions not stated): gnomAD 0.00014 and 0.00024; TOPMed 0.00025; gnomAD exomes 0.00064; 1000 Genomes Project 30x 0.00078; 1000 Genomes Project 0.00080.
gnomAD v4.1: 209 of 436,098 alleles (0.048%); highest among the groups gnomAD compares: East Asian, 0.7%; 1 homozygote.

Submission:

Illumina Laboratory Services, Illumina
Classification: Benign for Caveolinopathy. Last evaluated: 2018-01-12. Review status: criteria provided, single submitter. Criteria: ICSL Variant Classification Criteria 13 December 2019. Collection method: clinical testing. Allele origin: germline.
Comment: This variant was observed in the ICSL laboratory as part of a predisposition screen in an ostensibly healthy population. It had not been previously curated by ICSL or reported in the Human Gene Mutation Database (HGMD: prior to June 1st, 2018), and was therefore a candidate for classification through an automated scoring system. Utilizing variant allele frequency, disease prevalence and penetrance estimates, and inheritance mode, an automated score was calculated to assess if this variant is too frequent to cause the disease. Based on the score and internal cut-off values, a variant classified as benign is not then subjected to further curation. The score for this variant resulted in a classification of benign for this disease.